The following is an entry in ClinVar:

NC_000009.11:g.(?_133578420)_(133579161_?)del

Gene: EXOSC2 (exosome component 2; plus strand). Cytogenetic location: 9q34.12.
Variant type: Deletion.
Identifiers: ClinVar variation 2425934 (VCV002425934.4).

ClinVar aggregate classification (germline): Uncertain significance (1 of 4 stars; one submission).

Submission:

Labcorp Genetics (formerly Invitae), Labcorp
Classification: Uncertain significance. Last evaluated: 2022-07-04. Review status: criteria provided, single submitter. Criteria: Invitae Variant Classification Sherloc (09022015). Collection method: clinical testing. Allele origin: germline.
Comment: This variant has not been reported in the literature in individuals affected with EXOSC2-related conditions. In summary, the available evidence is currently insufficient to determine the role of this variant in disease. Therefore, it has been classified as a Variant of Uncertain Significance. Experimental studies and prediction algorithms are not available or were not evaluated, and the functional significance of this variant is currently unknown. This variant is a gross deletion of the genomic region encompassing exon(s) 8-9 of the EXOSC2 gene, which includes the termination codon. This deletion extends beyond the assayed region for this gene and therefore may encompass additional genes. While this deletion is not anticipated to lead to nonsense mediated decay, it is expected to alter mRNA translation or result in a truncated protein product.